The following is an entry in ClinVar:

NM_030773.4(TUBB1):c.905C>T (p.Ala302Val)

Gene: TUBB1 (tubulin beta 1 class VI; plus strand). Cytogenetic location: 20q13.32.
Variant type: single nucleotide variant.
Coding change: c.905C>T on transcript NM_030773.4 (MANE Select); coding-DNA position 905, C replaced by T.
Protein change: p.Ala302Val; replaces alanine 302 with valine.
Molecular consequence: missense variant.
Genome position (GRCh38, 1-based): chr20:59,024,332, C>T. VCF-style: chr20-59024332-C-T. GRCh37 (hg19) VCF-style: chr20-57599387-C-T.
Other names: p.Ala302Val; short protein forms A302V.
Identifiers: ClinVar variation 3380666 (VCV003380666.1).

ClinVar aggregate classification (germline): Uncertain significance (1 of 4 stars; one submission).

gnomAD v4.1: 44 of 1,613,640 alleles (0.0027%); highest among the groups gnomAD compares: Non-Finnish European, 0.0034%; no homozygotes.

Submission:

Mayo Clinic Laboratories, Mayo Clinic
Classification: Uncertain significance. Last evaluated: 2024-08-07. Review status: criteria provided, single submitter. Criteria: ACMG Guidelines, 2015. Collection method: clinical testing. Allele origin: germline. Observed: 1 variant allele.
Comment: PP3, PM1_supporting